The following is an entry in ClinVar:

ClinVar aggregate classification (germline): Likely benign. Review status: criteria provided, multiple submitters, no conflicts (2 of 4 stars). 3 submissions from 3 submitters: Likely benign (3). Last evaluated 2024-05-31.

Conditions:
Rotor syndrome (HBLRR). Also called: HYPERBILIRUBINEMIA, ROTOR TYPE, DIGENIC; HYPERBILIRUBINEMIA, ROTOR TYPE. Identifiers: Orphanet 3111, MedGen C0220991, MONDO:0009379, OMIM 237450.

Allele frequency attached by ClinVar (database versions not stated): gnomAD 0.00003 and 0.00130; TOPMed 0.00023; gnomAD exomes 0.00201 and 0.00410; ExAC 0.00462; 1000 Genomes Project 30x 0.00718; 1000 Genomes Project 0.00879.
gnomAD v4.1: 3,153 of 1,612,092 alleles (0.2%); highest among the groups gnomAD compares: South Asian, 3.3%; 89 homozygotes.

Submissions (3):

ARUP Laboratories, Molecular Genetics and Genomics, ARUP Laboratories
Classification: Likely benign for Rotor syndrome. Last evaluated: 2024-05-31. Review status: criteria provided, single submitter. Criteria: ARUP Molecular Germline Variant Investigation Process 2024. Collection method: clinical testing. Allele origin: germline.

Illumina Laboratory Services, Illumina
Classification: Likely benign for Rotor syndrome. Last evaluated: 2017-04-27. Review status: criteria provided, single submitter. Criteria: ICSL Variant Classification Criteria 13 December 2019. Collection method: clinical testing. Allele origin: germline.
Comment: This variant was observed as part of a predisposition screen in an ostensibly healthy population. A literature search was performed for the gene, cDNA change, and amino acid change (where applicable). Publications were found based on this search. The evidence from the literature, in combination with allele frequency data from public databases where available, was sufficient to determine this variant is unlikely to cause disease. Therefore, this variant is classified as likely benign.

Breakthrough Genomics
Classification: Likely benign. Review status: criteria provided, single submitter. Criteria: ACMG Guidelines, 2015. Collection method: not provided. Allele origin: germline. Inheritance: Autosomal recessive inheritance. Affected: yes.

Literature cited by the submitters: PubMed 19122343 (cited by Illumina Laboratory Services, Illumina).

NM_006446.5(SLCO1B1):c.1794G>A (p.Thr598=)

Gene: SLCO1B1 (solute carrier organic anion transporter family member 1B1; plus strand). Cytogenetic location: 12p12.1.
Variant type: single nucleotide variant.
Coding change: c.1794G>A on transcript NM_006446.5 (MANE Select); coding-DNA position 1794, G replaced by A.
Protein change: p.Thr598=; no amino-acid change (threonine 598 retained).
Molecular consequence: synonymous variant.
Genome position (GRCh38, 1-based): chr12:21,224,768, G>A. VCF-style: chr12-21224768-G-A. GRCh37 (hg19) VCF-style: chr12-21377702-G-A.
Other names: c.1794G>A (LRG_1022t1).
Identifiers: ClinVar variation 307958 (VCV000307958.7), dbSNP rs201556175, ClinGen allele CA6477175.
Genomic context (GRCh38, chr12:21,224,768, plus strand): 5'-TTCTCCTATTACAGGAGGAATTCTAGCTCCAATATATTTTGGGGCTCTGATTGATACAAC[G>A]TGTATAAAGTGGTCCACCAACAACTGTGGCACACGTGGGTCATGTAGGACATATAATTCC-3'
Protein context (NP_006437.3, residues 588-608): PIYFGALIDT[Thr598=]CIKWSTNNCG